The following is an entry in ClinVar:

ClinVar aggregate classification (germline): Pathogenic. Review status: criteria provided, multiple submitters, no conflicts (2 of 4 stars). 4 submissions from 4 submitters: Pathogenic (3). 1 of the submissions does not count toward it. Last evaluated 2024-12-12.

Conditions:
Charcot-Marie-Tooth disease type 4. Also called: Charcot-Marie-Tooth disease, type IV; Charcot-Marie-Tooth, Type 4. Identifiers: Orphanet 64749, MedGen C4082197, MONDO:0018995.
Charcot-Marie-Tooth disease. Also called: Charcot-Marie-Tooth Hereditary Neuropathy; Charcot-Marie-Tooth Neuropathy. Identifiers: Orphanet 166, MedGen C0007959, MONDO:0015626.
Susceptibility to mononeuropathy of the median nerve, mild. Also called: CARPAL TUNNEL SYNDROME, SUSCEPTIBILITY TO. Identifiers: MedGen C3150596, MONDO:0013237, OMIM 613353.
Charcot-Marie-Tooth disease type 4C (CMT4C). Also called: Charcot-Marie-Tooth Neuropathy Type 4C (CMT4C); CHARCOT-MARIE-TOOTH DISEASE, DEMYELINATING, AUTOSOMAL RECESSIVE, TYPE 4C; SH3TC2-Related Hereditary Motor and Sensory Neuropathy; CHARCOT-MARIE-TOOTH DISEASE, DEMYELINATING, TYPE 4C; CMT 4C. Identifiers: Orphanet 99949, MedGen C1866636, MONDO:0011113, OMIM 601596.

Allele frequency attached by ClinVar (database versions not stated): ExAC 0.00001; gnomAD exomes 0.00001; TOPMed 0.00001.
gnomAD v4.1: 6 of 1,614,174 alleles (0.00037%); highest among the groups gnomAD compares: Non-Finnish European, 0.00051%; no homozygotes.

Submissions (4):

Labcorp Genetics (formerly Invitae), Labcorp
Classification: Pathogenic for Charcot-Marie-Tooth disease type 4. Last evaluated: 2024-12-12. Review status: criteria provided, single submitter. Criteria: Invitae Variant Classification Sherloc (09022015). Collection method: clinical testing. Allele origin: germline.
Comment: This sequence change creates a premature translational stop signal (p.Gln892*) in the SH3TC2 gene. It is expected to result in an absent or disrupted protein product. Loss-of-function variants in SH3TC2 are known to be pathogenic (PMID: 20220177, 27068304). This variant is present in population databases (rs757797985, gnomAD 0.002%). This premature translational stop signal has been observed in individual(s) with Charcot-Marie-Tooth disease (PMID: 22462672). ClinVar contains an entry for this variant (Variation ID: 637863). For these reasons, this variant has been classified as Pathogenic.

Fulgent Genetics
Classification: Pathogenic for Charcot-Marie-Tooth disease type 4C; Susceptibility to mononeuropathy of the median nerve, mild. Last evaluated: 2024-05-08. Review status: criteria provided, single submitter. Criteria: ACMG Guidelines, 2015. Collection method: clinical testing. Allele origin: germline.

3billion
Classification: Pathogenic for Charcot-Marie-Tooth disease type 4C. Last evaluated: 2023-08-21. Review status: criteria provided, single submitter. Criteria: ACMG Guidelines, 2015. Collection method: clinical testing. Allele origin: germline. Affected: yes.
Comment: The variant is observed at an extremely low frequency in the gnomAD v2.1.1 dataset (total allele frequency: 0.001%). Predicted Consequence/Location: Stop-gained (nonsense): predicted to result in a loss or disruption of normal protein function through nonsense-mediated decay (NMD) or protein truncation. Multiple pathogenic variants are reported downstream of the variant. The variant has been reported to be associated with SH3TC2 related disorder (PMID: 22462672 /3billion dataset). Therefore, this variant is classified as Pathogenic according to the recommendation of ACMG/AMP guideline.

Inherited Neuropathy Consortium
Classification: Uncertain significance for Charcot-Marie-Tooth disease. Review status: no assertion criteria provided. Collection method: literature only. Allele origin: germline. Affected: yes. Not counted in ClinVar's aggregate classification.

Literature cited by the submitters: PubMed 20220177 (cited by Labcorp Genetics (formerly Invitae), Labcorp); PubMed 27068304 (cited by Labcorp Genetics (formerly Invitae), Labcorp); PubMed 22462672 (cited by 3 submitters).

NM_024577.4(SH3TC2):c.2674C>T (p.Gln892Ter)

Gene: SH3TC2 (SH3 domain and tetratricopeptide repeats 2; minus strand). Cytogenetic location: 5q32.
Variant type: single nucleotide variant.
Coding change: c.2674C>T on transcript NM_024577.4 (MANE Select); coding-DNA position 2674, C replaced by T.
Protein change: p.Gln892Ter; replaces glutamine 892 with a stop codon.
Molecular consequence: nonsense.
Genome position (GRCh38, 1-based): chr5:149,027,058, G>A on the plus strand (C>T on the coding strand, the complement: SH3TC2 is on the minus strand). VCF-style: chr5-149027058-G-A. GRCh37 (hg19) VCF-style: chr5-148406621-G-A.
Other names: short protein forms Q892*.
Identifiers: ClinVar variation 637863 (VCV000637863.5), dbSNP rs757797985, ClinGen allele CA3498949.